The following is an entry in ClinVar:

ClinVar aggregate classification (germline): Uncertain significance (1 of 4 stars; one submission).

Conditions:
Drash syndrome (DDS). Also called: NEPHROPATHY, WILMS TUMOR, AND GENITAL ANOMALIES; WILMS TUMOR AND PSEUDO- OR TRUE HERMAPHRODITISM. Identifiers: Orphanet 220, MedGen C0950121, MONDO:0008682, OMIM 194080.
Wilms tumor 1 (WT1). Also called: Wilms tumor, somatic. Identifiers: Orphanet 654, MedGen CN033288, MONDO:0008679, OMIM 194070.
Frasier syndrome. Identifiers: Orphanet 347, MedGen C0950122, MeSH D052159, MONDO:0007635, OMIM 136680.
11p partial monosomy syndrome (WAGR). Also called: CHROMOSOME 11p13 DELETION SYNDROME; WAGR Spectrum Disorder; WAGR syndrome; WAGR Complex. Identifiers: Orphanet 893, MedGen C0206115, MONDO:0008681, OMIM 194072.

Submission:

Labcorp Genetics (formerly Invitae), Labcorp
Classification: Uncertain significance for Wilms tumor 1; Drash syndrome; 11p partial monosomy syndrome; Frasier syndrome. Last evaluated: 2024-10-24. Review status: criteria provided, single submitter. Criteria: Invitae Variant Classification Sherloc (09022015). Collection method: clinical testing. Allele origin: germline.
Comment: This sequence change replaces proline, which is neutral and non-polar, with arginine, which is basic and polar, at codon 111 of the WT1 protein (p.Pro111Arg). This variant is not present in population databases (gnomAD no frequency). This variant has not been reported in the literature in individuals affected with WT1-related conditions. Invitae Evidence Modeling of protein sequence and biophysical properties (such as structural, functional, and spatial information, amino acid conservation, physicochemical variation, residue mobility, and thermodynamic stability) has been performed for this missense variant. However, the output from this modeling did not meet the statistical confidence thresholds required to predict the impact of this variant on WT1 protein function. In summary, the available evidence is currently insufficient to determine the role of this variant in disease. Therefore, it has been classified as a Variant of Uncertain Significance.

NM_024426.6(WT1):c.347C>G (p.Pro116Arg)

Genes: WT1 (WT1 transcription factor; minus strand), LOC107982234 (WT1/WT1-AS bi-directional promoter region; plus strand). Cytogenetic location: 11p13.
Variant type: single nucleotide variant.
Coding change: c.347C>G on transcript NM_024426.6 (MANE Select); coding-DNA position 347, C replaced by G.
Protein change: p.Pro116Arg; replaces proline 116 with arginine.
Molecular consequence: missense variant. On other transcripts: non-coding transcript variant (2).
Genome position (GRCh38, 1-based): chr11:32,435,014, G>C on the plus strand (C>G on the coding strand, the complement: WT1 is on the minus strand). VCF-style: chr11-32435014-G-C. GRCh37 (hg19) VCF-style: chr11-32456560-G-C.
Other names: c.347C>G, p.Pro116Arg (NM_000378.6, NM_001407044.1, NM_001407045.1 and 6 more transcripts); c.332C>G, p.Pro111Arg (NM_024425.2); short protein forms P111R, P116R.
Identifiers: ClinVar variation 2932914 (VCV002932914.3), dbSNP rs886048229, ClinGen allele CA379965877.